The following is an entry in ClinVar:

NM_000393.5(COL5A2):c.2230-54A>G

Gene: COL5A2 (collagen type V alpha 2 chain; minus strand). Cytogenetic location: 2q32.2.
Variant type: single nucleotide variant.
Coding change: c.2230-54A>G on transcript NM_000393.5 (MANE Select); 54 bases into the intron before coding-DNA position 2230, A replaced by G.
Molecular consequence: intron variant.
Genome position (GRCh38, 1-based): chr2:189,057,481, T>C on the plus strand (A>G on the coding strand, the complement: COL5A2 is on the minus strand). VCF-style: chr2-189057481-T-C. GRCh37 (hg19) VCF-style: chr2-189922207-T-C.
Identifiers: ClinVar variation 675858 (VCV000675858.1), dbSNP rs577663975, ClinGen allele CA62599497.

ClinVar aggregate classification (germline): Likely benign (1 of 4 stars; one submission).

Allele frequency attached by ClinVar (database versions not stated): gnomAD exomes 0.00037; gnomAD 0.00381 and 0.00408; 1000 Genomes Project 30x 0.00390; 1000 Genomes Project 0.00439; TOPMed 0.00443.
gnomAD v4.1: 1,041 of 1,356,544 alleles (0.077%); highest among the groups gnomAD compares: African/African-American, 1.4%; 6 homozygotes.

Submission:

GeneDx
Classification: Likely benign. Last evaluated: 2018-06-14. Review status: criteria provided, single submitter. Criteria: GeneDx Variant Classification (06012015). Collection method: clinical testing. Allele origin: germline. Affected: yes.
Comment: This variant is considered likely benign or benign based on one or more of the following criteria: it is a conservative change, it occurs at a poorly conserved position in the protein, it is predicted to be benign by multiple in silico algorithms, and/or has population frequency not consistent with disease.